The following is an entry in ClinVar:

NM_002878.4(RAD51D):c.811G>A (p.Val271Met)

Genes: RAD51D (RAD51 paralog D; minus strand), RAD51L3-RFFL (RAD51L3-RFFL readthrough; minus strand). Cytogenetic location: 17q12.
Variant type: single nucleotide variant.
Coding change: c.811G>A on transcript NM_002878.4 (MANE Select); coding-DNA position 811, G replaced by A.
Protein change: p.Val271Met; replaces valine 271 with methionine.
Molecular consequence: missense variant. On other transcripts: non-coding transcript variant (3).
Genome position (GRCh38, 1-based): chr17:35,101,293, C>T on the plus strand (G>A on the coding strand, the complement: RAD51D is on the minus strand). VCF-style: chr17-35101293-C-T. GRCh37 (hg19) VCF-style: chr17-33428312-C-T.
Other names: c.871G>A, p.Val291Met (NM_001142571.2); c.475G>A, p.Val159Met (NM_133629.3); c.811G>A (NM_002878.3); short protein forms V159M, V291M, V271M.
Identifiers: ClinVar variation 1502406 (VCV001502406.9), dbSNP rs758570839, ClinGen allele CA8499338.

ClinVar aggregate classification (germline): Uncertain significance. Review status: criteria provided, multiple submitters, no conflicts (2 of 4 stars). 2 submissions from 2 submitters: Uncertain significance (2). Last evaluated 2026-09-05.

Conditions:
Breast-ovarian cancer, familial, susceptibility to, 4. Identifiers: Orphanet 145, MedGen C3280345, MONDO:0013669, OMIM 614291.
Hereditary cancer-predisposing syndrome. Also called: Hereditary Cancer Syndrome; Tumor predisposition; Neoplastic Syndromes, Hereditary; Hereditary neoplastic syndrome. Identifiers: Orphanet 140162, MedGen C0027672, MeSH D009386, MONDO:0015356.

Allele frequency attached by ClinVar (database versions not stated): ExAC 0.00001.

Submissions (2):

Ambry Genetics
Classification: Uncertain significance for Hereditary cancer-predisposing syndrome. Last evaluated: 2026-09-05. Review status: criteria provided, single submitter. Criteria: Ambry Variant Classification Scheme 2023. Collection method: clinical testing. Allele origin: germline.
Comment: The p.V271M variant (also known as c.811G>A), located in coding exon 9 of the RAD51D gene, results from a G to A substitution at nucleotide position 811. The valine at codon 271 is replaced by methionine, an amino acid with highly similar properties. This amino acid position is conserved. In addition, the in silico prediction for this alteration is inconclusive. Based on the available evidence, the clinical significance of this variant remains unclear.

Labcorp Genetics (formerly Invitae), Labcorp
Classification: Uncertain significance for Breast-ovarian cancer, familial, susceptibility to, 4. Last evaluated: 2021-01-14. Review status: criteria provided, single submitter. Criteria: Invitae Variant Classification Sherloc (09022015). Collection method: clinical testing. Allele origin: germline.
Comment: This sequence change replaces valine with methionine at codon 271 of the RAD51D protein (p.Val271Met). The valine residue is highly conserved and there is a small physicochemical difference between valine and methionine. The frequency data for this variant in the population databases is considered unreliable, as metrics indicate poor data quality at this position in the ExAC database. This variant has not been reported in the literature in individuals with RAD51D-related conditions. Algorithms developed to predict the effect of missense changes on protein structure and function are either unavailable or do not agree on the potential impact of this missense change (SIFT: "Tolerated"; PolyPhen-2: "Probably Damaging"; Align-GVGD: "Class C0"). In summary, the available evidence is currently insufficient to determine the role of this variant in disease. Therefore, it has been classified as a Variant of Uncertain Significance.